The following is an entry in ClinVar:

ClinVar aggregate classification (germline): Uncertain significance (1 of 4 stars; one submission).

Allele frequency attached by ClinVar (database versions not stated): gnomAD exomes below 0.00001; gnomAD 0.00001; TOPMed 0.00001.
gnomAD v4.1: 8 of 1,614,088 alleles (0.0005%); highest among the groups gnomAD compares: Non-Finnish European, 0.00068%; no homozygotes.

Submission:

Labcorp Genetics (formerly Invitae), Labcorp
Classification: Uncertain significance. Last evaluated: 2023-08-10. Review status: criteria provided, single submitter. Criteria: Invitae Variant Classification Sherloc (09022015). Collection method: clinical testing. Allele origin: germline.
Comment: In summary, the available evidence is currently insufficient to determine the role of this variant in disease. Therefore, it has been classified as a Variant of Uncertain Significance. This sequence change replaces aspartic acid, which is acidic and polar, with glycine, which is neutral and non-polar, at codon 549 of the AHR protein (p.Asp549Gly). This variant is present in population databases (no rsID available, gnomAD 0.002%). This variant has not been reported in the literature in individuals affected with AHR-related conditions. ClinVar contains an entry for this variant (Variation ID: 856905). An algorithm developed to predict the effect of missense changes on protein structure and function (PolyPhen-2) suggests that this variant is likely to be tolerated.

NM_001621.5(AHR):c.1646A>G (p.Asp549Gly)

Gene: AHR (aryl hydrocarbon receptor; plus strand). Cytogenetic location: 7p21.1.
Variant type: single nucleotide variant.
Coding change: c.1646A>G on transcript NM_001621.5 (MANE Select); coding-DNA position 1646, A replaced by G.
Protein change: p.Asp549Gly; replaces aspartic acid 549 with glycine.
Molecular consequence: missense variant.
Genome position (GRCh38, 1-based): chr7:17,339,471, A>G. VCF-style: chr7-17339471-A-G. GRCh37 (hg19) VCF-style: chr7-17379095-A-G.
Other names: short protein forms D549G.
Identifiers: ClinVar variation 856905 (VCV000856905.9), dbSNP rs1367181021, ClinGen allele CA366894814.